The following is an entry in ClinVar:

NM_052945.4(TNFRSF13C):c.275_286dup (p.88ALVL[3])

Genes: TNFRSF13C (TNF receptor superfamily member 13C; minus strand), LOC130067574 (ATAC-STARR-seq lymphoblastoid silent region 13813; plus strand). Cytogenetic location: 22q13.2.
Variant type: Duplication.
Coding change: c.275_286dup on transcript NM_052945.4 (MANE Select); coding-DNA positions 275 to 286, 12 bases duplicated (CGCTGGTCCTGG).
Protein change: p.88ALVL[3].
Molecular consequence: inframe insertion.
Genome position (GRCh38, 1-based): chr22:41,926,182-41,926,193, CCAGGACCAGCG duplicated on the plus strand (CGCTGGTCCTGG on the coding strand, the reverse complement: TNFRSF13C is on the minus strand); duplicating any 12 consecutive bases within chr22:41,926,182-41,926,203 gives the same sequence; the c. name uses the placement nearest the transcript's 3' end. VCF-style (leftmost placement, unchanged base first): chr22-41926181-A-ACCAGGACCAGCG. GRCh37 (hg19) VCF-style: chr22-42322185-A-ACCAGGACCAGCG.
Identifiers: ClinVar variation 1405370 (VCV001405370.8), dbSNP rs770676417, ClinGen allele CA639484910.
Genomic context (GRCh38, chr22:41,926,181, plus strand): 5'-GCCTCTGCGGAGGACGCGCCGCGAAGCCGCCGCTGTCGCCGCCTCCAGCTCACCAGACCC[A>ACCAGGACCAGCG]CCAGGACCAGCGCCAGGACCAGTGCCAGGCCCAGCAGCGCGGGGGCGCCAAAGAGCAGCC-3'

ClinVar aggregate classification (germline): Uncertain significance (1 of 4 stars; one submission).

Conditions:
Immunodeficiency, common variable, 4. Also called: ANTIBODY DEFICIENCY DUE TO BAFFR DEFECT. Identifiers: Orphanet 1572, Orphanet 696925, MedGen C3150739, MONDO:0013284, OMIM 613494.

Submission:

Labcorp Genetics (formerly Invitae), Labcorp
Classification: Uncertain significance for Immunodeficiency, common variable, 4. Last evaluated: 2020-12-13. Review status: criteria provided, single submitter. Criteria: Invitae Variant Classification Sherloc (09022015). Collection method: clinical testing. Allele origin: germline.
Comment: This variant, c.275_286dup, results in the insertion of 4 amino acid(s) to the TNFRSF13C protein (p.Ala92_Leu95dup), but otherwise preserves the integrity of the reading frame. In summary, the available evidence is currently insufficient to determine the role of this variant in disease. Therefore, it has been classified as a Variant of Uncertain Significance. Algorithms developed to predict the effect of sequence changes on RNA splicing suggest that this variant may create or strengthen a splice site, but this prediction has not been confirmed by published transcriptional studies. This variant has not been reported in the literature in individuals with TNFRSF13C-related conditions. This variant is not present in population databases (ExAC no frequency).